The following is an entry in ClinVar:

ClinVar aggregate classification (germline): Uncertain significance (0 of 4 stars; one submission).

Conditions:
FAT1-related disorder. Also called: FAT1-related condition.

Submission:

PreventionGenetics, part of Exact Sciences
Classification: Uncertain significance for FAT1-related condition. Last evaluated: 2024-06-18. Review status: no assertion criteria provided. Collection method: clinical testing. Allele origin: germline.
Comment: The FAT1 c.8936A>T variant is predicted to result in the amino acid substitution p.Tyr2979Phe. To our knowledge, this variant has not been reported in the literature or in a large population database, indicating this variant is rare. At this time, the clinical significance of this variant is uncertain due to the absence of conclusive functional and genetic evidence.

NM_005245.4(FAT1):c.8936A>T (p.Tyr2979Phe)

Genes: FAT1 (FAT atypical cadherin 1; minus strand), LOC126807255 (BRD4-independent group 4 enhancer GRCh37_chr4:187538202-187539401; plus strand). Cytogenetic location: 4q35.2.
Variant type: single nucleotide variant.
Coding change: c.8936A>T on transcript NM_005245.4 (MANE Select); coding-DNA position 8936, A replaced by T.
Protein change: p.Tyr2979Phe; replaces tyrosine 2979 with phenylalanine.
Molecular consequence: missense variant.
Genome position (GRCh38, 1-based): chr4:186,617,144, T>A on the plus strand (A>T on the coding strand, the complement: FAT1 is on the minus strand). VCF-style: chr4-186617144-T-A. GRCh37 (hg19) VCF-style: chr4-187538298-T-A.
Other names: short protein forms Y2979F.
Identifiers: ClinVar variation 3348390 (VCV003348390.1).